The following is an entry in ClinVar:

NM_207037.2(TCF12):c.347C>A (p.Ser116Ter)

Gene: TCF12 (transcription factor 12; plus strand). Cytogenetic location: 15q21.3.
Variant type: single nucleotide variant.
Coding change: c.347C>A on transcript NM_207037.2 (MANE Select); coding-DNA position 347, C replaced by A.
Protein change: p.Ser116Ter; replaces serine 116 with a stop codon.
Molecular consequence: nonsense. On other transcripts: 5 prime UTR variant (1).
Genome position (GRCh38, 1-based): chr15:57,166,423, C>A. VCF-style: chr15-57166423-C-A. GRCh37 (hg19) VCF-style: chr15-57458621-C-A.
Other names: p.Ser116Ter; c.347C>A, p.Ser116Ter (NM_001322151.2, NM_001322152.2, NM_001322157.3 and 7 more transcripts); c.-306C>A (NM_001322154.2); c.173C>A, p.Ser58Ter (NM_001322156.2, NM_001322158.2); c.383C>A, p.Ser128Ter (NM_001322164.2); short protein forms S116*, S128*, S58*.
Identifiers: ClinVar variation 4796476 (VCV004796476.1).

ClinVar aggregate classification (germline): Pathogenic (1 of 4 stars; one submission).

Conditions:
TCF12-related craniosynostosis. Also called: Craniosynostosis 3. Identifiers: Orphanet 35098, Orphanet 35099, Orphanet 672979, MedGen C3715051, MONDO:0014128, OMIM 615314.

Submission:

Medical Genetics Clinic, University of Catania
Classification: Pathogenic for TCF12-related craniosynostosis. Last evaluated: 2025-11-05. Review status: criteria provided, single submitter. Criteria: ACMG Guidelines, 2015. Collection method: clinical testing. Allele origin: de novo. Inheritance: Autosomal dominant inheritance. Affected: yes. Observed: 1 heterozygote.
Comment: The c.347C>A variant in the TCF12 gene is located in exon 6 of 21. This nonsense variant introduces a premature stop codon in the translation at aminoacid 116 out of a total of 706 aminoacids (p.Ser116Ter). This variant has not been reported in the literature to date. No allele frequency information is available in the dedicated gnomAD database. It is located at a conserved aminoacid position (phyloP-Vertebrate=3,84/6,42; phyloP-Primate=0,56/0,65; PhastCons=1,00/1,00). Loss of function is an established disease-mechanism in the TCF12 gene. In silico prediction tools suggest a detrimental effect on the structure/activity of the protein (MUTTASTER: disease causing). In the light of the above, the c.347C>A variant in the TCF12 gene has been classified as a Pathogenic variant.